The following is an entry in ClinVar:

NM_000059.4(BRCA2):c.9059C>T (p.Ser3020Phe)

Gene: BRCA2 (BRCA2 DNA repair associated; plus strand). Cytogenetic location: 13q13.1.
Variant type: single nucleotide variant.
Coding change: c.9059C>T on transcript NM_000059.4 (MANE Select); coding-DNA position 9059, C replaced by T.
Protein change: p.Ser3020Phe; replaces serine 3020 with phenylalanine.
Molecular consequence: missense variant. On other transcripts: non-coding transcript variant (1).
Genome position (GRCh38, 1-based): chr13:32,379,855, C>T. VCF-style: chr13-32379855-C-T. GRCh37 (hg19) VCF-style: chr13-32953992-C-T.
Other names: c.8963C>T, p.Ser2988Phe (NM_001406719.1); c.9008C>T, p.Ser3003Phe (NM_001406720.1); c.4127C>T, p.Ser1376Phe (NM_001406721.1); c.2642C>T, p.Ser881Phe (NM_001406722.1); short protein forms S1376F, S2988F, S3020F, S3003F, S881F.
Identifiers: ClinVar variation 2566007 (VCV002566007.2), dbSNP rs80359157, ClinGen allele CA387757560.
Genomic context (GRCh38, chr13:32,379,855, plus strand): 5'-TAACAGAAGGAAAGAGATACAGAATTTATCATCTTGCAACTTCAAAATCTAAAAGTAAAT[C>T]TGAAAGAGCTAACATACAGTTAGCAGCGACAAAAAAAACTCAGTATCAACAACTACCGGT-3'
Protein context (NP_000050.3, residues 3010-3030): HLATSKSKSK[Ser3020Phe]ERANIQLAAT

ClinVar aggregate classification (germline): Uncertain significance (1 of 4 stars; one submission).

Conditions:
Hereditary cancer-predisposing syndrome. Also called: Neoplastic Syndromes, Hereditary; Hereditary Cancer Syndrome; Hereditary neoplastic syndrome; Tumor predisposition. Identifiers: Orphanet 140162, MedGen C0027672, MeSH D009386, MONDO:0015356.

Submission:

Ambry Genetics
Classification: Uncertain significance for Hereditary cancer-predisposing syndrome. Last evaluated: 2023-05-10. Review status: criteria provided, single submitter. Criteria: Ambry Variant Classification Scheme 2023. Collection method: clinical testing. Allele origin: germline.
Comment: The p.S3020F variant (also known as c.9059C>T), located in coding exon 22 of the BRCA2 gene, results from a C to T substitution at nucleotide position 9059. The serine at codon 3020 is replaced by phenylalanine, an amino acid with highly dissimilar properties. This amino acid position is not well conserved in available vertebrate species. In addition, this alteration is predicted to be tolerated by in silico analysis. Since supporting evidence is limited at this time, the clinical significance of this alteration remains unclear.

Literature cited by the submitters: PubMed 27478808.